The following is an entry in ClinVar:

ClinVar aggregate classification (germline): Likely benign. Review status: criteria provided, multiple submitters, no conflicts (2 of 4 stars). 4 submissions from 4 submitters: Likely benign (3). 1 of the submissions does not count toward it. Last evaluated 2025-12-01.

Conditions:
PDE10A-related disorder. Also called: PDE10A-related condition.

Allele frequency attached by ClinVar (database versions not stated): TOPMed 0.00005; 1000 Genomes Project 30x 0.00062; 1000 Genomes Project 0.00080.
gnomAD v4.1: 236 of 1,606,920 alleles (0.015%); highest among the groups gnomAD compares: South Asian, 0.1%; 2 homozygotes.

Submissions (4):

Labcorp Genetics (formerly Invitae), Labcorp
Classification: Likely benign. Last evaluated: 2025-12-01. Review status: criteria provided, single submitter. Criteria: Invitae Variant Classification Sherloc (09022015). Collection method: clinical testing. Allele origin: germline.

Mayo Clinic Laboratories, Mayo Clinic
Classification: Likely benign. Last evaluated: 2025-10-14. Review status: criteria provided, single submitter. Criteria: ACMG Guidelines, 2015. Collection method: clinical testing. Allele origin: germline. Observed: 1 variant allele.
Comment: BS1, BP4, BP7

Blueprint Genetics
Classification: Likely benign. Last evaluated: 2024-10-08. Review status: criteria provided, single submitter. Criteria: ACMG Guidelines, 2015. Collection method: clinical testing. Allele origin: germline.

PreventionGenetics, part of Exact Sciences
Classification: Likely benign for PDE10A-related condition. Last evaluated: 2019-09-06. Review status: no assertion criteria provided. Collection method: clinical testing. Allele origin: germline. Not counted in ClinVar's aggregate classification.
Comment: This variant is classified as likely benign based on ACMG/AMP sequence variant interpretation guidelines (Richards et al. 2015 PMID: 25741868, with internal and published modifications).

NM_001385079.1(PDE10A):c.1590C>T (p.Leu530=)

Gene: PDE10A (phosphodiesterase 10A; minus strand). Cytogenetic location: 6q27.
Variant type: single nucleotide variant.
Coding change: c.1590C>T on transcript NM_001385079.1 (MANE Select); coding-DNA position 1590, C replaced by T.
Protein change: p.Leu530=; no amino-acid change (leucine 530 retained).
Molecular consequence: synonymous variant.
Genome position (GRCh38, 1-based): chr6:165,430,298, G>A on the plus strand (C>T on the coding strand, the complement: PDE10A is on the minus strand). VCF-style: chr6-165430298-G-A. GRCh37 (hg19) VCF-style: chr6-165843786-G-A.
Other names: p.Leu264=; c.792C>T, p.Leu264= (NM_001130690.3); c.762C>T, p.Leu254= (NM_006661.4).
Identifiers: ClinVar variation 799417 (VCV000799417.12), dbSNP rs141863025, ClinGen allele CA4092344.